The following is an entry in ClinVar:

ClinVar aggregate classification (germline): Uncertain significance (1 of 4 stars; one submission).

gnomAD v4.1: 4 of 1,614,140 alleles (0.00025%); highest among the groups gnomAD compares: South Asian, 0.0044%; no homozygotes.

Submission:

GeneDx
Classification: Uncertain significance. Last evaluated: 2023-11-28. Review status: criteria provided, single submitter. Criteria: GeneDx Variant Classification Process June 2021. Collection method: clinical testing. Allele origin: germline. Affected: yes.
Comment: In silico analysis supports that this missense variant has a deleterious effect on protein structure/function; Has not been previously published as pathogenic or benign to our knowledge

NM_001374828.1(ARID1B):c.2544T>G (p.His848Gln)

Gene: ARID1B (AT-rich interaction domain 1B; plus strand). Cytogenetic location: 6q25.3.
Variant type: single nucleotide variant.
Coding change: c.2544T>G on transcript NM_001374828.1 (MANE Select); coding-DNA position 2544, T replaced by G.
Protein change: p.His848Gln; replaces histidine 848 with glutamine.
Molecular consequence: missense variant.
Genome position (GRCh38, 1-based): chr6:157,110,524, T>G. VCF-style: chr6-157110524-T-G. GRCh37 (hg19) VCF-style: chr6-157431658-T-G.
Other names: c.45T>G, p.His15Gln (NM_001363725.2); c.2583T>G, p.His861Gln (NM_001371656.1, NM_001374820.1); c.2544T>G, p.His848Gln (NM_017519.3); c.2334T>G (NM_020732.3); short protein forms H15Q, H848Q, H861Q.
Identifiers: ClinVar variation 3364836 (VCV003364836.1).
Genomic context (GRCh38, chr6:157,110,524, plus strand): 5'-TTTTACAGGTAGTCAGATGCCTCCGCAGCCACCCGGGAGCCAGTCAGAATCCAGTTCCCA[T>G]CCCGCCTTGAGCCAGTCACCAATGCCACAGGAAAGAGGTTCGTCTCCAGTTCATGTCTTA-3'
Protein context (NP_001361757.1, residues 838-858): PPGSQSESSS[His848Gln]PALSQSPMPQ